The following is an entry in ClinVar:

ClinVar aggregate classification (germline): Uncertain significance. Review status: criteria provided, multiple submitters, no conflicts (2 of 4 stars). 2 submissions from 2 submitters: Uncertain significance (2). Last evaluated 2022-08-10.

Conditions:
Short-rib thoracic dysplasia 14 with polydactyly (SRTD14). Identifiers: Orphanet 397715, MedGen C4225286, MONDO:0014688, OMIM 616546.
Joubert syndrome 23 (JBTS23). Identifiers: Orphanet 475, MedGen C4084822, MONDO:0014664, OMIM 616490.

Allele frequency attached by ClinVar (database versions not stated): gnomAD 0.00001; TOPMed 0.00002; ESP Exome Variant Server 0.00008.
gnomAD v4.1: 19 of 1,613,618 alleles (0.0012%); highest among the groups gnomAD compares: Middle Eastern, 0.049%; no homozygotes.

Submissions (2):

Labcorp Genetics (formerly Invitae), Labcorp
Classification: Uncertain significance for Joubert syndrome 23; Short-rib thoracic dysplasia 14 with polydactyly. Last evaluated: 2022-08-10. Review status: criteria provided, single submitter. Criteria: Invitae Variant Classification Sherloc (09022015). Collection method: clinical testing. Allele origin: germline.
Comment: In summary, the available evidence is currently insufficient to determine the role of this variant in disease. Therefore, it has been classified as a Variant of Uncertain Significance. Experimental studies and prediction algorithms are not available or were not evaluated, and the functional significance of this variant is currently unknown. ClinVar contains an entry for this variant (Variation ID: 1359610). This variant has not been reported in the literature in individuals affected with KIAA0586-related conditions. This variant is present in population databases (rs371910625, gnomAD 0.007%). This sequence change creates a premature translational stop signal (p.Arg1606*) in the KIAA0586 gene. While this is not anticipated to result in nonsense mediated decay, it is expected to disrupt the last 39 amino acid(s) of the KIAA0586 protein.

Blueprint Genetics
Classification: Uncertain significance. Last evaluated: 2021-08-13. Review status: criteria provided, single submitter. Criteria: ACMG Guidelines, 2015. Collection method: clinical testing. Allele origin: germline.

NM_001329943.3(KIAA0586):c.4572C>T (p.Leu1524=)

Gene: KIAA0586 (KIAA0586; plus strand). Cytogenetic location: 14q23.1.
Variant type: single nucleotide variant.
Coding change: c.4572C>T on transcript NM_001329943.3 (MANE Select); coding-DNA position 4572, C replaced by T.
Protein change: p.Leu1524=; no amino-acid change (leucine 1524 retained).
Molecular consequence: synonymous variant. On other transcripts: nonsense (2).
Genome position (GRCh38, 1-based): chr14:58,547,857, C>T. VCF-style: chr14-58547857-C-T. GRCh37 (hg19) VCF-style: chr14-59014575-C-T.
Other names: c.4816C>T, p.Arg1606Ter (NM_001244189.2); c.4527C>T, p.Leu1509= (NM_001244190.2); c.4317C>T, p.Leu1439= (NM_001244191.2, NM_001364701.2); c.4440C>T, p.Leu1480= (NM_001244192.2, NM_001329947.2); c.4657C>T, p.Arg1553Ter (NM_001329944.2); c.4251C>T, p.Leu1417= (NM_001329945.2); c.4506C>T, p.Leu1502= (NM_001329946.2); c.4344C>T, p.Leu1448= (NM_014749.5); short protein forms R1553*, R1606*.
Identifiers: ClinVar variation 1359610 (VCV001359610.6), dbSNP rs371910625, ClinGen allele CA7206450.